The following is an entry in ClinVar:

ClinVar aggregate classification (germline): Benign/Likely benign. Review status: criteria provided, multiple submitters, no conflicts (2 of 4 stars). 5 submissions from 5 submitters: Benign (1); Likely benign (3). 1 of the submissions does not count toward it. Last evaluated 2026-03-02.

Conditions:
PGK1-related disorder. Also called: PGK1-related condition.
Epilepsy. Also called: Seizure disorder. Identifiers: MedGen C0014544, MeSH D004827, MONDO:0005027.
Glycogen storage disease due to phosphoglycerate kinase 1 deficiency. Also called: PGK1 DEFICIENCY; PHOSPHOGLYCERATE KINASE 1 DEFICIENCY WITH LEVO-DOPA-RESPONSIVE PARKINSONISM. Identifiers: Orphanet 713, MedGen C1970848, MONDO:0010392, OMIM 300653.

Allele frequency attached by ClinVar (database versions not stated): TOPMed 0.00006; ExAC 0.00008; gnomAD 0.00008; ESP Exome Variant Server 0.00009; gnomAD exomes 0.00010.
gnomAD v4.1: 131 of 1,197,114 alleles (0.011%); highest among the groups gnomAD compares: East Asian, 0.0059%; no homozygotes.

Submissions (5):

Women's Health and Genetics/Laboratory Corporation of America, LabCorp
Classification: Likely benign. Last evaluated: 2026-03-02. Review status: criteria provided, single submitter. Criteria: LabCorp Variant Classification Summary - May 2015. Collection method: clinical testing. Allele origin: germline.
Comment: Variant summary: PGK1 c.674A>G (p.Asn225Ser) results in a conservative amino acid change in the encoded protein sequence. Algorithms developed to predict the effect of missense changes on protein structure and function all suggest that this variant is likely to be tolerated. The variant allele was found at a frequency of 0.00015 in 183306 control chromosomes, and 12 hemizygotes. To our knowledge, no occurrence of c.674A>G in individuals affected with PGK1-related conditions and no experimental evidence demonstrating its impact on protein function have been reported. ClinVar contains an entry for this variant (Variation ID: 2169853). Based on the evidence outlined above, the variant was classified as likely benign.

Labcorp Genetics (formerly Invitae), Labcorp
Classification: Benign. Last evaluated: 2026-01-02. Review status: criteria provided, single submitter. Criteria: Invitae Variant Classification Sherloc (09022015). Collection method: clinical testing. Allele origin: germline.

ARUP Laboratories, Molecular Genetics and Genomics, ARUP Laboratories
Classification: Likely benign for Glycogen storage disease due to phosphoglycerate kinase 1 deficiency. Last evaluated: 2024-06-21. Review status: criteria provided, single submitter. Criteria: ARUP Molecular Germline Variant Investigation Process 2024. Collection method: clinical testing. Allele origin: germline.

Cambridge Genomics Laboratory, East Genomic Laboratory Hub, NHS Genomic Medicine Service
Classification: Likely benign for Epilepsy. Last evaluated: 2020-03-30. Review status: criteria provided, single submitter. Criteria: ACGS Best Practice Guidelines for Variant Classification in Rare Disease 2020. Collection method: clinical testing. Allele origin: germline. Affected: yes. Observed: 1 variant allele.

PreventionGenetics, part of Exact Sciences
Classification: Likely benign for PGK1-related condition. Last evaluated: 2019-06-24. Review status: no assertion criteria provided. Collection method: clinical testing. Allele origin: germline. Not counted in ClinVar's aggregate classification.
Comment: This variant is classified as likely benign based on ACMG/AMP sequence variant interpretation guidelines (Richards et al. 2015 PMID: 25741868, with internal and published modifications).

NM_000291.4(PGK1):c.674A>G (p.Asn225Ser)

Gene: PGK1 (phosphoglycerate kinase 1; plus strand). Cytogenetic location: Xq21.1.
Variant type: single nucleotide variant.
Coding change: c.674A>G on transcript NM_000291.4 (MANE Select); coding-DNA position 674, A replaced by G.
Protein change: p.Asn225Ser; replaces asparagine 225 with serine.
Molecular consequence: missense variant.
Genome position (GRCh38, 1-based): chrX:78,122,867, A>G. VCF-style: chrX-78122867-A-G. GRCh37 (hg19) VCF-style: chrX-77378364-A-G.
Other names: short protein forms N225S.
Identifiers: ClinVar variation 2169853 (VCV002169853.9), dbSNP rs143031509, ClinGen allele CA10459747.
Genomic context (GRCh38, chrX:78,122,867, plus strand): 5'-AAGTGATGATTCTTGCTTTCTCTTGTAGAGCTAAAGTTGCAGACAAGATCCAGCTCATCA[A>G]TAATATGCTGGACAAAGTCAATGAGATGATTATTGGTGGTGGAATGGCTTTTACCTTCCT-3'
Protein context (NP_000282.1, residues 215-235): AKVADKIQLI[Asn225Ser]NMLDKVNEMI